The following is an entry in ClinVar:

NM_000548.5(TSC2):c.5064G>A (p.Arg1688=)

Gene: TSC2 (TSC complex subunit 2; plus strand). Cytogenetic location: 16p13.3.
Variant type: single nucleotide variant.
Coding change: c.5064G>A on transcript NM_000548.5 (MANE Select); coding-DNA position 5064, G replaced by A.
Protein change: p.Arg1688=; no amino-acid change (arginine 1688 retained).
Molecular consequence: synonymous variant.
Genome position (GRCh38, 1-based): chr16:2,087,937, G>A. VCF-style: chr16-2087937-G-A. GRCh37 (hg19) VCF-style: chr16-2137938-G-A.
Other names: c.4863G>A, p.Arg1621= (NM_001077183.3); c.4995G>A, p.Arg1665= (NM_001114382.3); c.4755G>A, p.Arg1585= (NM_001318827.2); c.4719G>A, p.Arg1573= (NM_001318829.2); c.4332G>A, p.Arg1444= (NM_001318831.2); c.4896G>A, p.Arg1632= (NM_001318832.2); c.4866G>A, p.Arg1622= (NM_001363528.2); c.4932G>A, p.Arg1644= (NM_001370404.1); and 2 more.
Identifiers: ClinVar variation 413753 (VCV000413753.20), dbSNP rs374476631, ClinGen allele CA053647.

ClinVar aggregate classification (germline): Benign/Likely benign. Review status: criteria provided, multiple submitters, no conflicts (2 of 4 stars). 6 submissions from 6 submitters: Benign (2); Likely benign (4). Last evaluated 2026-09-25.

Conditions:
TSC2-related disorder. Also called: TSC2-Related Disorders; TSC2-related condition.
Hereditary cancer-predisposing syndrome. Also called: Hereditary Cancer Syndrome; Tumor predisposition; Hereditary neoplastic syndrome; Neoplastic Syndromes, Hereditary. Identifiers: Orphanet 140162, MedGen C0027672, MeSH D009386, MONDO:0015356.
Tuberous sclerosis syndrome (TSC). Also called: Tuberous sclerosis; Tuberous Sclerosis Complex. Identifiers: Orphanet 805, MedGen C0041341, MONDO:0001734.
Tuberous sclerosis 2 (TSC2). Identifiers: Orphanet 805, MedGen C1860707, MONDO:0013199, OMIM 613254.

Allele frequency attached by ClinVar (database versions not stated): ExAC 0.00001; gnomAD exomes 0.00001; gnomAD 0.00002; TOPMed 0.00004; ESP Exome Variant Server 0.00008.
gnomAD v4.1: 8 of 1,605,038 alleles (0.0005%); highest among the groups gnomAD compares: African/African-American, 0.008%; no homozygotes.

Submissions (6):

PreventionGenetics, part of Exact Sciences
Classification: Likely benign for TSC2-related condition. Last evaluated: 2026-09-25. Review status: criteria provided, single submitter. Criteria: ACMG Guidelines, 2015. Collection method: clinical testing. Allele origin: germline.
Comment: This variant is classified as likely benign based on ACMG/AMP sequence variant interpretation guidelines (Richards et al. 2015 PMID: 25741868, with internal and published modifications).

Labcorp Genetics (formerly Invitae), Labcorp
Classification: Likely benign for Tuberous sclerosis 2. Last evaluated: 2025-10-15. Review status: criteria provided, single submitter. Criteria: Invitae Variant Classification Sherloc (09022015). Collection method: clinical testing. Allele origin: germline.

Myriad Genetics, Inc.
Classification: Benign for Tuberous sclerosis 2. Last evaluated: 2025-06-05. Review status: criteria provided, single submitter. Criteria: Myriad Autosomal Dominant, Autosomal Recessive and X-Linked Classification Criteria (2023). Collection method: clinical testing. Allele origin: unknown.
Comment: This variant is considered benign. This variant is a silent/synonymous amino acid change and it is not expected to impact splicing.

Color Diagnostics, LLC DBA Color Health
Classification: Likely benign for Tuberous sclerosis syndrome. Last evaluated: 2022-09-30. Review status: criteria provided, single submitter. Criteria: ACMG Guidelines, 2015. Collection method: clinical testing. Allele origin: germline.

Genome-Nilou Lab
Classification: Benign for Tuberous sclerosis 2. Last evaluated: 2021-11-07. Review status: criteria provided, single submitter. Criteria: ACMG Guidelines, 2015. Collection method: clinical testing. Allele origin: germline. Affected: no.

Ambry Genetics
Classification: Likely benign for Hereditary cancer-predisposing syndrome. Last evaluated: 2019-10-16. Review status: criteria provided, single submitter. Criteria: Ambry Variant Classification Scheme 2023. Collection method: clinical testing. Allele origin: germline.